The following is an entry in ClinVar:

NM_006086.4(TUBB3):c.805G>A (p.Gly269Ser)

Gene: TUBB3 (tubulin beta 3 class III; plus strand). Cytogenetic location: 16q24.3.
Variant type: single nucleotide variant.
Coding change: c.805G>A on transcript NM_006086.4 (MANE Select); coding-DNA position 805, G replaced by A.
Protein change: p.Gly269Ser; replaces glycine 269 with serine.
Molecular consequence: missense variant.
Genome position (GRCh38, 1-based): chr16:89,935,256, G>A. VCF-style: chr16-89935256-G-A. GRCh37 (hg19) VCF-style: chr16-90001664-G-A.
Other names: c.589G>A, p.Gly197Ser (NM_001197181.2); short protein forms G197S, G269S.
Identifiers: ClinVar variation 1198880 (VCV001198880.10), dbSNP rs2151092918, ClinGen allele CA397475402.

ClinVar aggregate classification (germline): Conflicting classifications of pathogenicity. Review status: criteria provided, conflicting classifications (1 of 4 stars). 4 submissions from 4 submitters: Likely pathogenic (2); Uncertain significance (1); Benign (1). Last evaluated 2026-08-11.

Conditions:
Complex cortical dysplasia with other brain malformations 1. Identifiers: Orphanet 300570, MedGen C3808397, MONDO:0013541, OMIM 614039.

Submissions (4):

GeneDx
Classification: Uncertain significance. Last evaluated: 2026-08-11. Review status: criteria provided, single submitter. Criteria: GeneDx Variant Classification Process June 2021. Collection method: clinical testing. Allele origin: germline.
Comment: Not observed at significant frequency in large population cohorts (gnomAD); Missense variants in this gene are a common cause of disease and they are underrepresented in the general population; In silico analysis supports that this missense variant has a deleterious effect on protein structure/function; Has not been previously published as pathogenic or benign to our knowledge; This variant is associated with the following publications: (PMID: 20829227)

Clinical Genetics Laboratory, Skane University Hospital Lund
Classification: Likely pathogenic for Complex cortical dysplasia with other brain malformations 1. Last evaluated: 2025-08-28. Review status: criteria provided, single submitter. Criteria: ACMG Guidelines, 2015. Collection method: clinical testing. Allele origin: de novo. Inheritance: Autosomal dominant inheritance. Affected: yes.
Comment: ACMG criteria used: PS2_moderate, PM2, PP2, PP3

Labcorp Genetics (formerly Invitae), Labcorp
Classification: Benign. Last evaluated: 2023-12-07. Review status: criteria provided, single submitter. Criteria: Invitae Variant Classification Sherloc (09022015). Collection method: clinical testing. Allele origin: germline.

Institute of Human Genetics, University of Leipzig Medical Center
Classification: Likely pathogenic for Complex cortical dysplasia with other brain malformations 1. Last evaluated: 2022-10-18. Review status: criteria provided, single submitter. Criteria: ACMG Guidelines, 2015. Collection method: clinical testing. Allele origin: de novo. Inheritance: Autosomal dominant inheritance. Affected: yes.
Comment: Criteria applied: PS2_MOD,PM1,PM2_SUP,PP3